The following is an entry in ClinVar:

NM_002473.6(MYH9):c.279C>T (p.Asn93=)

Gene: MYH9 (myosin heavy chain 9; minus strand). Cytogenetic location: 22q12.3.
Variant type: single nucleotide variant.
Coding change: c.279C>T on transcript NM_002473.6 (MANE Select); coding-DNA position 279, C replaced by T.
Protein change: p.Asn93=; no amino-acid change (asparagine 93 retained).
Molecular consequence: synonymous variant.
Genome position (GRCh38, 1-based): chr22:36,348,958, G>A on the plus strand (C>T on the coding strand, the complement: MYH9 is on the minus strand). VCF-style: chr22-36348958-G-A. GRCh37 (hg19) VCF-style: chr22-36745003-G-A.
Identifiers: ClinVar variation 3355320 (VCV003355320.4).

ClinVar aggregate classification (germline): Benign/Likely benign. Review status: criteria provided, multiple submitters, no conflicts (2 of 4 stars). 3 submissions from 3 submitters: Benign (1); Likely benign (1). 1 of the submissions does not count toward it. Last evaluated 2025-06-09.

Conditions:
MYH9-related disorder. Identifiers: MedGen C1854520.

gnomAD v4.1: 38 of 1,614,044 alleles (0.0024%); highest among the groups gnomAD compares: Middle Eastern, 0.016%; no homozygotes.

Submissions (3):

Labcorp Genetics (formerly Invitae), Labcorp
Classification: Benign. Last evaluated: 2025-06-09. Review status: criteria provided, single submitter. Criteria: Invitae Variant Classification Sherloc (09022015). Collection method: clinical testing. Allele origin: germline.

Blueprint Genetics
Classification: Likely benign. Last evaluated: 2024-03-07. Review status: criteria provided, single submitter. Criteria: ACMG Guidelines, 2015. Collection method: clinical testing. Allele origin: germline.

PreventionGenetics, part of Exact Sciences
Classification: Likely benign for MYH9-related condition. Last evaluated: 2024-09-21. Review status: no assertion criteria provided. Collection method: clinical testing. Allele origin: germline. Not counted in ClinVar's aggregate classification.
Comment: This variant is classified as likely benign based on ACMG/AMP sequence variant interpretation guidelines (Richards et al. 2015 PMID: 25741868, with internal and published modifications).